The following is an entry in ClinVar:

ClinVar aggregate classification (germline): Uncertain significance (1 of 4 stars; one submission).

Submission:

Labcorp Genetics (formerly Invitae), Labcorp
Classification: Uncertain significance. Last evaluated: 2025-11-15. Review status: criteria provided, single submitter. Criteria: Invitae Variant Classification Sherloc (09022015). Collection method: clinical testing. Allele origin: germline.
Comment: This sequence change replaces glycine, which is neutral and non-polar, with valine, which is neutral and non-polar, at codon 270 of the UMOD protein (p.Gly270Val). This variant is not present in population databases (gnomAD no frequency). This variant has not been reported in the literature in individuals affected with UMOD-related conditions. Invitae Evidence Modeling of protein sequence and biophysical properties (such as structural, functional, and spatial information, amino acid conservation, physicochemical variation, residue mobility, and thermodynamic stability) indicates that this missense variant is not expected to disrupt UMOD protein function with a negative predictive value of 80%. In summary, the available evidence is currently insufficient to determine the role of this variant in disease. Therefore, it has been classified as a Variant of Uncertain Significance.

NM_003361.4(UMOD):c.809G>T (p.Gly270Val)

Gene: UMOD (uromodulin; minus strand). Cytogenetic location: 16p12.3.
Variant type: single nucleotide variant.
Coding change: c.809G>T on transcript NM_003361.4 (MANE Select); coding-DNA position 809, G replaced by T.
Protein change: p.Gly270Val; replaces glycine 270 with valine.
Molecular consequence: missense variant. On other transcripts: non-coding transcript variant (1).
Genome position (GRCh38, 1-based): chr16:20,348,492, C>A on the plus strand (G>T on the coding strand, the complement: UMOD is on the minus strand). VCF-style: chr16-20348492-C-A. GRCh37 (hg19) VCF-style: chr16-20359814-C-A.
Other names: c.809G>T, p.Gly270Val (NM_001008389.3, NM_001378232.1, NM_001378233.1 and 3 more transcripts); c.908G>T, p.Gly303Val (NM_001278614.2); short protein forms G270V, G303V.
Identifiers: ClinVar variation 4744707 (VCV004744707.1).
Genomic context (GRCh38, chr16:20,348,492, plus strand): 5'-TGACCTGTGCAGTACGCCAGGTGACACTCGGGGGGCGCTGTCAGGTTGTAGACGTAGTAG[C>A]CGCCGGCACAGGCCTTCACCTGGACGGACGCATCCCACAGGCAGCAGTGGCCGCTCCAGT-3'
Protein context (NP_003352.2, residues 260-280): ASVQVKACAG[Gly270Val]YYVYNLTAPP